The following is an entry in ClinVar:

NM_001127208.3(TET2):c.528T>A (p.Asn176Lys)

Genes: TET2 (tet methylcytosine dioxygenase 2; plus strand), TET2-AS1 (TET2 antisense RNA 1; minus strand). Cytogenetic location: 4q24.
Variant type: single nucleotide variant.
Coding change: c.528T>A on transcript NM_001127208.3 (MANE Select); coding-DNA position 528, T replaced by A.
Protein change: p.Asn176Lys; replaces asparagine 176 with lysine.
Molecular consequence: missense variant.
Genome position (GRCh38, 1-based): chr4:105,234,470, T>A. VCF-style: chr4-105234470-T-A. GRCh37 (hg19) VCF-style: chr4-106155627-T-A.
Other names: c.528T>A, p.Asn176Lys (NM_017628.4); short protein forms N176K.
Identifiers: ClinVar variation 2404452 (VCV002404452.6), dbSNP rs531832525, ClinGen allele CA3031512.

ClinVar aggregate classification (germline): Uncertain significance. Review status: criteria provided, multiple submitters, no conflicts (2 of 4 stars). 3 submissions from 3 submitters: Uncertain significance (2). 1 of the submissions does not count toward it. Last evaluated 2026-01-21.

Allele frequency attached by ClinVar (database versions not stated): ExAC 0.00001; gnomAD exomes 0.00001; gnomAD 0.00009; TOPMed 0.00009; 1000 Genomes Project 30x 0.00016; 1000 Genomes Project 0.00020.
gnomAD v4.1: 26 of 1,613,954 alleles (0.0016%); highest among the groups gnomAD compares: African/African-American, 0.032%; no homozygotes.

Submissions (3):

Labcorp Genetics (formerly Invitae), Labcorp
Classification: Uncertain significance. Last evaluated: 2026-01-21. Review status: criteria provided, single submitter. Criteria: Invitae Variant Classification Sherloc (09022015). Collection method: clinical testing. Allele origin: germline.
Comment: This sequence change replaces asparagine, which is neutral and polar, with lysine, which is basic and polar, at codon 176 of the TET2 protein (p.Asn176Lys). This variant is present in population databases (rs531832525, gnomAD 0.03%). This variant has not been reported in the literature in individuals affected with TET2-related conditions. ClinVar contains an entry for this variant (Variation ID: 2404452). An algorithm developed to predict the effect of missense changes on protein structure and function outputs the following: PolyPhen-2: "Benign". The lysine amino acid residue is found in multiple mammalian species, which suggests that this missense change does not adversely affect protein function. In summary, the available evidence is currently insufficient to determine the role of this variant in disease. Therefore, it has been classified as a Variant of Uncertain Significance.

Ambry Genetics
Classification: Uncertain significance. Last evaluated: 2024-11-18. Review status: criteria provided, single submitter. Criteria: Ambry Variant Classification Scheme 2023. Collection method: clinical testing. Allele origin: germline.
Comment: The p.N176K variant (also known as c.528T>A), located in coding exon 1 of the TET2 gene, results from a T to A substitution at nucleotide position 528. The asparagine at codon 176 is replaced by lysine, an amino acid with similar properties. This amino acid position is conserved. In addition, this alteration is predicted to be tolerated by in silico analysis. Based on the available evidence, the clinical significance of this variant remains unclear.

Genetic Services Laboratory, University of Chicago
Classification: Uncertain significance. Last evaluated: 2022-06-01. Review status: no assertion criteria provided. Collection method: clinical testing. Allele origin: germline. Affected: no. Not counted in ClinVar's aggregate classification.
Comment: DNA sequence analysis of the TET2 gene demonstrated a sequence change, c.528T>A, in exon 3 that results in an amino acid change, p.Asn176Lys. This sequence change does not appear to have been previously described in individuals with TET2-related disorders. This sequence change has been described in the gnomAD database with a frequency of 0.032% in the African/African American subpopulation (dbSNP rs531832525). The p.Asn176Lys change affects a poorly conserved amino acid residue located in a domain of the TET2 protein that is not known to be functional. The p.Asn176Lys substitution appears to be benign using several in-silico pathogenicity prediction tools (SIFT, PolyPhen2, Align GVGD, REVEL). Due to insufficient evidences and the lack of functional studies, the clinical significance of the p.Asn176Lys change remains unknown at this time.